The following is an entry in ClinVar:

ClinVar aggregate classification (germline): Uncertain significance (1 of 4 stars; one submission).

Conditions:
Hereditary cancer-predisposing syndrome. Also called: Tumor predisposition; Neoplastic Syndromes, Hereditary; Hereditary neoplastic syndrome; Hereditary Cancer Syndrome. Identifiers: Orphanet 140162, MedGen C0027672, MeSH D009386, MONDO:0015356.

Submission:

Ambry Genetics
Classification: Uncertain significance for Hereditary cancer-predisposing syndrome. Last evaluated: 2025-08-27. Review status: criteria provided, single submitter. Criteria: Ambry Variant Classification Scheme 2023. Collection method: clinical testing. Allele origin: germline.
Comment: The p.S514F variant (also known as c.1541C>T), located in coding exon 16 of the MUTYH gene, results from a C to T substitution at nucleotide position 1541. The serine at codon 514 is replaced by phenylalanine, an amino acid with highly dissimilar properties. This amino acid position is conserved. In addition, this alteration is predicted to be tolerated by in silico analysis. Based on the available evidence, the clinical significance of this variant remains unclear.

NM_001048174.2(MUTYH):c.1457C>T (p.Ser486Phe)

Gene: MUTYH (mutY DNA glycosylase; minus strand). Cytogenetic location: 1p34.1.
Variant type: single nucleotide variant.
Coding change: c.1457C>T on transcript NM_001048174.2 (MANE Select); coding-DNA position 1457, C replaced by T.
Protein change: p.Ser486Phe; replaces serine 486 with phenylalanine.
Molecular consequence: missense variant. On other transcripts: non-coding transcript variant (7).
Genome position (GRCh38, 1-based): chr1:45,329,415, G>A on the plus strand (C>T on the coding strand, the complement: MUTYH is on the minus strand). VCF-style: chr1-45329415-G-A. GRCh37 (hg19) VCF-style: chr1-45795087-G-A.
Other names: c.1457C>T, p.Ser486Phe (NM_001048171.2, NM_001048173.2, NM_001293195.2 and 6 more transcripts); c.1460C>T, p.Ser487Phe (NM_001048172.2, NM_001407071.1, NM_001407078.1 and 1 more transcripts); c.1541C>T, p.Ser514Phe (NM_001128425.2); c.1502C>T, p.Ser501Phe (NM_001293190.2); c.1490C>T, p.Ser497Phe (NM_001293191.2, NM_001407069.1, NM_001407077.1); c.1181C>T, p.Ser394Phe (NM_001293192.2, NM_001293196.2, NM_001407091.1); c.1112C>T, p.Ser371Phe (NM_001350650.2, NM_001350651.2, NM_001407082.1); c.1373C>T, p.Ser458Phe (NM_001407075.1); and 5 more; short protein forms S500F, S511F, S394F, S458F, S486F, S493F, S497F, S501F.
Identifiers: ClinVar variation 4113344 (VCV004113344.1).
Genomic context (GRCh38, chr1:45,329,415, plus strand): 5'-CGAAAGAAATTATCCAGGACTTGCTGGCCCATGCGGGGCTTTTTCCGACTGCACGGAGAG[G>A]ACACCTGGGACCTTTTGGAACCCTGTGAAAAAATGGAAGGAGGGAGGCCTTGTAGTTGGG-3'
Protein context (NP_001041639.1, residues 476-496): TCMGSKRSQV[Ser486Phe]SPCSRKKPRM